The following is an entry in ClinVar:

ClinVar aggregate classification (germline): Uncertain significance. Review status: criteria provided, multiple submitters, no conflicts (2 of 4 stars). 2 submissions from 2 submitters: Uncertain significance (2). Last evaluated 2024-06-27.

Conditions:
Vici syndrome (VICIS). Identifiers: Orphanet 1493, MedGen C1855772, MONDO:0009452, OMIM 242840.

gnomAD v4.1: 5 of 1,599,192 alleles (0.00031%); highest among the groups gnomAD compares: Non-Finnish European, 0.00043%; no homozygotes.

Submissions (2):

Blueprint Genetics
Classification: Uncertain significance. Last evaluated: 2024-06-27. Review status: criteria provided, single submitter. Criteria: ACMG Guidelines, 2015. Collection method: clinical testing. Allele origin: germline.

Labcorp Genetics (formerly Invitae), Labcorp
Classification: Uncertain significance for Vici syndrome. Last evaluated: 2022-07-19. Review status: criteria provided, single submitter. Criteria: Invitae Variant Classification Sherloc (09022015). Collection method: clinical testing. Allele origin: germline.
Comment: This sequence change replaces histidine, which is basic and polar, with leucine, which is neutral and non-polar, at codon 1429 of the EPG5 protein (p.His1429Leu). This variant is not present in population databases (gnomAD no frequency). This variant has not been reported in the literature in individuals affected with EPG5-related conditions. ClinVar contains an entry for this variant (Variation ID: 1367152). Algorithms developed to predict the effect of missense changes on protein structure and function are either unavailable or do not agree on the potential impact of this missense change (SIFT: "Deleterious"; PolyPhen-2: "Probably Damaging"; Align-GVGD: "Class C15"). In summary, the available evidence is currently insufficient to determine the role of this variant in disease. Therefore, it has been classified as a Variant of Uncertain Significance.

NM_020964.3(EPG5):c.4286A>T (p.His1429Leu)

Gene: EPG5 (ectopic P-granules 5 autophagy tethering factor; minus strand). Cytogenetic location: 18q21.1.
Variant type: single nucleotide variant.
Coding change: c.4286A>T on transcript NM_020964.3 (MANE Select); coding-DNA position 4286, A replaced by T.
Protein change: p.His1429Leu; replaces histidine 1429 with leucine.
Molecular consequence: missense variant.
Genome position (GRCh38, 1-based): chr18:45,908,001, T>A on the plus strand (A>T on the coding strand, the complement: EPG5 is on the minus strand). VCF-style: chr18-45908001-T-A. GRCh37 (hg19) VCF-style: chr18-43487966-T-A.
Other names: short protein forms H1429L.
Identifiers: ClinVar variation 1367152 (VCV001367152.7), dbSNP rs1329572416, ClinGen allele CA402338784.